The following is an entry in ClinVar:

ClinVar aggregate classification (germline): Likely benign (1 of 4 stars; one submission).

Submission:

CeGaT Center for Human Genetics Tuebingen
Classification: Likely benign. Last evaluated: 2022-03-01. Review status: criteria provided, single submitter. Criteria: CeGaT Center For Human Genetics Tuebingen Variant Classification Criteria Version 2. Collection method: clinical testing. Allele origin: germline. Affected: yes. Observed: 1 variant allele.
Comment: TEX14: BP4, BP7

NM_031272.5(TEX14):c.1177T>C (p.Leu393=)

Gene: TEX14 (testis expressed 14, intercellular bridge forming factor; minus strand). Cytogenetic location: 17q22.
Variant type: single nucleotide variant.
Coding change: c.1177T>C on transcript NM_031272.5 (MANE Select); coding-DNA position 1177, T replaced by C.
Protein change: p.Leu393=; no amino-acid change (leucine 393 retained).
Molecular consequence: synonymous variant.
Genome position (GRCh38, 1-based): chr17:58,611,168, A>G on the plus strand (T>C on the coding strand, the complement: TEX14 is on the minus strand). VCF-style: chr17-58611168-A-G. GRCh37 (hg19) VCF-style: chr17-56688529-A-G.
Other names: c.1195T>C, p.Leu399= (NM_001201457.2); c.1177T>C, p.Leu393= (NM_198393.4).
Identifiers: ClinVar variation 2647967 (VCV002647967.24), dbSNP rs2509554272, ClinGen allele CA501074211.
Genomic context (GRCh38, chr17:58,611,168, plus strand): 5'-GTCCCCAAGGGAGATCAACTTCAGGAGAAAGTCCCACTCCATGTTATGCCCACCTTTCCA[A>G]CATGTACTCCAGGTTGGTCAGCCTCGCTTCACCTGGGGAGATGATATGGACAGCATAGGA-3'
Protein context (NP_112562.3, residues 383-403): EARLTNLEYM[Leu393=]ESEDRGVQRD